The following is an entry in ClinVar:

ClinVar aggregate classification (germline): Uncertain significance (1 of 4 stars; one submission).

Submission:

Labcorp Genetics (formerly Invitae), Labcorp
Classification: Uncertain significance. Last evaluated: 2022-08-27. Review status: criteria provided, single submitter. Criteria: Invitae Variant Classification Sherloc (09022015). Collection method: clinical testing. Allele origin: germline.
Comment: A copy number gain of the genomic region encompassing the full coding sequence of the MS4A1 gene has been identified. The boundaries of this event are unknown as they extend beyond the assayed region for this gene and therefore may encompass additional genes. As the precise location of this event is unknown, it may be in tandem or it may be located elsewhere in the genome. This variant has not been reported in the literature in individuals affected with MS4A1-related conditions. In summary, the available evidence is currently insufficient to determine the role of this variant in disease. Therefore, it has been classified as a Variant of Uncertain Significance.

NC_000011.9:g.(?_59939307)_(60235941_?)dup

Genes: MS4A1 (membrane spanning 4-domains A1; plus strand), MS4A14 (membrane spanning 4-domains A14; plus strand), MS4A4A (membrane spanning 4-domains A4A; plus strand), MS4A4E (membrane spanning 4-domains A4E; minus strand), MS4A5 (membrane spanning 4-domains A5; plus strand) and 3 more. Cytogenetic location: 11q12.2.
Variant type: Duplication.
Identifiers: ClinVar variation 2427421 (VCV002427421.3).